The following is an entry in ClinVar:

NM_000733.4(CD3E):c.409G>A (p.Asp137Asn)

Gene: CD3E (CD3 epsilon subunit of T-cell receptor complex; plus strand). Cytogenetic location: 11q23.3.
Variant type: single nucleotide variant.
Coding change: c.409G>A on transcript NM_000733.4 (MANE Select); coding-DNA position 409, G replaced by A.
Protein change: p.Asp137Asn; replaces aspartic acid 137 with asparagine.
Molecular consequence: missense variant.
Genome position (GRCh38, 1-based): chr11:118,313,763, G>A. VCF-style: chr11-118313763-G-A. GRCh37 (hg19) VCF-style: chr11-118184478-G-A.
Other names: short protein forms D137N.
Identifiers: ClinVar variation 2585418 (VCV002585418.1), dbSNP rs2134767843, ClinGen allele CA382783880.

ClinVar aggregate classification (germline): Uncertain significance (1 of 4 stars; one submission).

Conditions:
Immunodeficiency 18 (IMD18). Also called: CD3epsilon deficiency; CD3-EPSILON DEFICIENCY. Identifiers: MedGen C3810127, MONDO:0014278, OMIM 615615.

Allele frequency attached by ClinVar (database versions not stated): gnomAD exomes below 0.00001.
gnomAD v4.1: 1 of 1,614,142 alleles (0.000062%); highest among the groups gnomAD compares: Non-Finnish European, 0.000085%; no homozygotes.

Submission:

Neuberg Centre For Genomic Medicine, NCGM
Classification: Uncertain significance for Immunodeficiency 18. Review status: criteria provided, single submitter. Criteria: ACMG Guidelines, 2015. Collection method: clinical testing. Allele origin: germline. Inheritance: Autosomal recessive inheritance. Affected: yes.
Comment: The missense variant c.409G>A (p.Asp137Asn) in CD3E gene has not been reported previously as a pathogenic variant nor as a benign variant, to our knowledge. The variant is novel (not in any individuals) in gnomAD Exomes and 1000 Genomes. The amino acid Aspartic acid at position 137 is changed to a Asparagine changing protein sequence and it might alter its composition and physico-chemical properties. The variant is predicted to be damaging by both SIFT and PolyPhen2. The residue is conserved across species. For these reasons, this variant has been classified as Uncertain Significance.